The following is an entry in ClinVar:

ClinVar aggregate classification (germline): Uncertain significance (1 of 4 stars; one submission).

Conditions:
Hereditary cancer-predisposing syndrome. Also called: Tumor predisposition; Hereditary neoplastic syndrome; Hereditary Cancer Syndrome; Neoplastic Syndromes, Hereditary. Identifiers: Orphanet 140162, MedGen C0027672, MeSH D009386, MONDO:0015356.

Submission:

Ambry Genetics
Classification: Uncertain significance for Hereditary cancer-predisposing syndrome. Last evaluated: 2025-04-04. Review status: criteria provided, single submitter. Criteria: Ambry Variant Classification Scheme 2023. Collection method: clinical testing. Allele origin: germline.
Comment: The p.P872A variant (also known as c.2614C>G), located in coding exon 16 of the ATM gene, results from a C to G substitution at nucleotide position 2614. The proline at codon 872 is replaced by alanine, an amino acid with highly similar properties. This amino acid position is conserved. In addition, this alteration is predicted to be tolerated by in silico analysis. Based on the available evidence, the clinical significance of this variant remains unclear.

NM_000051.4(ATM):c.2614C>G (p.Pro872Ala)

Gene: ATM (ATM serine/threonine kinase; plus strand). Cytogenetic location: 11q22.3.
Variant type: single nucleotide variant.
Coding change: c.2614C>G on transcript NM_000051.4 (MANE Select); coding-DNA position 2614, C replaced by G.
Protein change: p.Pro872Ala; replaces proline 872 with alanine.
Molecular consequence: missense variant.
Genome position (GRCh38, 1-based): chr11:108,267,318, C>G. VCF-style: chr11-108267318-C-G. GRCh37 (hg19) VCF-style: chr11-108138045-C-G.
Other names: c.2614C>G, p.Pro872Ala (NM_001351834.2); short protein forms P872A.
Identifiers: ClinVar variation 3966317 (VCV003966317.1).